The following is an entry in ClinVar:

ClinVar aggregate classification (germline): Uncertain significance. Review status: criteria provided, multiple submitters, no conflicts (2 of 4 stars). 2 submissions from 2 submitters: Uncertain significance (2). Last evaluated 2024-11-09.

Conditions:
Neuronal ceroid lipofuscinosis. Also called: Neuronal Ceroid Lipofuscinoses. Identifiers: Orphanet 216, Orphanet 79263, MedGen C0027877, MONDO:0016295. Disease mechanism: loss of function.

Allele frequency attached by ClinVar (database versions not stated): gnomAD exomes below 0.00001; ExAC 0.00001; TOPMed 0.00001; gnomAD 0.00002.
gnomAD v4.1: 4 of 1,613,828 alleles (0.00025%); highest among the groups gnomAD compares: African/African-American, 0.0053%; no homozygotes.

Submissions (2):

GeneDx
Classification: Uncertain significance. Last evaluated: 2024-11-09. Review status: criteria provided, single submitter. Criteria: GeneDx Variant Classification Process June 2021. Collection method: clinical testing. Allele origin: germline. Affected: yes.
Comment: Not observed at significant frequency in large population cohorts (gnomAD); In silico analysis indicates that this missense variant does not alter protein structure/function; Has not been previously published as pathogenic or benign to our knowledge

Labcorp Genetics (formerly Invitae), Labcorp
Classification: Uncertain significance for Neuronal ceroid lipofuscinosis. Last evaluated: 2021-08-27. Review status: criteria provided, single submitter. Criteria: Invitae Variant Classification Sherloc (09022015). Collection method: clinical testing. Allele origin: germline.
Comment: This sequence change replaces arginine with lysine at codon 176 of the CTSD protein (p.Arg176Lys). The arginine residue is weakly conserved and there is a small physicochemical difference between arginine and lysine. This variant is present in population databases (rs757688598, ExAC 0.01%). This variant has not been reported in the literature in individuals affected with CTSD-related conditions. Algorithms developed to predict the effect of missense changes on protein structure and function output the following: SIFT: "Tolerated"; PolyPhen-2: "Benign"; Align-GVGD: "Class C0". The lysine amino acid residue is found in multiple mammalian species, which suggests that this missense change does not adversely affect protein function. In summary, the available evidence is currently insufficient to determine the role of this variant in disease. Therefore, it has been classified as a Variant of Uncertain Significance.

NM_001909.5(CTSD):c.527G>A (p.Arg176Lys)

Gene: CTSD (cathepsin D; minus strand). Cytogenetic location: 11p15.5.
Variant type: single nucleotide variant.
Coding change: c.527G>A on transcript NM_001909.5 (MANE Select); coding-DNA position 527, G replaced by A.
Protein change: p.Arg176Lys; replaces arginine 176 with lysine.
Molecular consequence: missense variant.
Genome position (GRCh38, 1-based): chr11:1,757,501, C>T on the plus strand (G>A on the coding strand, the complement: CTSD is on the minus strand). VCF-style: chr11-1757501-C-T. GRCh37 (hg19) VCF-style: chr11-1778731-C-T.
Other names: c.527G>A (NM_001909.4); short protein forms R176K.
Identifiers: ClinVar variation 1409558 (VCV001409558.6), dbSNP rs757688598, ClinGen allele CA5814144.